The following is an entry in ClinVar:

ClinVar aggregate classification (germline): Uncertain significance. Review status: criteria provided, single submitter (1 of 4 stars). 2 submissions from 2 submitters: Uncertain significance (1). 1 of the submissions does not count toward it. Last evaluated 2025-10-14.

Conditions:
ABCC8-related disorder.

Allele frequency attached by ClinVar (database versions not stated): gnomAD 0.00001; gnomAD exomes 0.00001; TOPMed 0.00001.
gnomAD v4.1: 12 of 1,611,616 alleles (0.00074%); highest among the groups gnomAD compares: African/African-American, 0.0013%; no homozygotes.

Submissions (2):

Labcorp Genetics (formerly Invitae), Labcorp
Classification: Uncertain significance. Last evaluated: 2025-10-14. Review status: criteria provided, single submitter. Criteria: Invitae Variant Classification Sherloc (09022015). Collection method: clinical testing. Allele origin: germline.
Comment: This sequence change replaces alanine, which is neutral and non-polar, with threonine, which is neutral and polar, at codon 30 of the ABCC8 protein (p.Ala30Thr). This variant is present in population databases (no rsID available, gnomAD 0.01%). This missense change has been observed in individual(s) with clinical features of autosomal recessive ABCC8-related conditions (PMID: 23275527). ClinVar contains an entry for this variant (Variation ID: 3047756). Invitae Evidence Modeling of protein sequence and biophysical properties (such as structural, functional, and spatial information, amino acid conservation, physicochemical variation, residue mobility, and thermodynamic stability) indicates that this missense variant is expected to disrupt ABCC8 protein function with a positive predictive value of 95%. Experimental studies have shown that this missense change affects ABCC8 function (PMID: 27573238). In summary, the available evidence is currently insufficient to determine the role of this variant in disease. Therefore, it has been classified as a Variant of Uncertain Significance.

PreventionGenetics, part of Exact Sciences
Classification: Uncertain significance for ABCC8-related condition. Last evaluated: 2024-02-14. Review status: no assertion criteria provided. Collection method: clinical testing. Allele origin: germline. Not counted in ClinVar's aggregate classification.
Comment: The ABCC8 c.88G>A variant is predicted to result in the amino acid substitution p.Ala30Thr. This variant has been reported in at least one individual with hyperinsulinism (Supplemental Appendix, Snider et al. 2013. PubMed ID: 23275527; Martin et al. 2016. PubMed ID: 27573238). This variant is reported in 0.011% of alleles in individuals of African descent in gnomAD. Although we suspect that this variant may be pathogenic, at this time, the clinical significance of this variant is uncertain due to the absence of conclusive functional and genetic evidence.

Literature cited by the submitters: PubMed 23275527 (cited by Labcorp Genetics (formerly Invitae), Labcorp); PubMed 27573238 (cited by Labcorp Genetics (formerly Invitae), Labcorp).

NM_000352.6(ABCC8):c.88G>A (p.Ala30Thr)

Gene: ABCC8 (ATP binding cassette subfamily C member 8; minus strand). Cytogenetic location: 11p15.1.
Variant type: single nucleotide variant.
Coding change: c.88G>A on transcript NM_000352.6 (MANE Select); coding-DNA position 88, G replaced by A.
Protein change: p.Ala30Thr; replaces alanine 30 with threonine.
Molecular consequence: missense variant. On other transcripts: non-coding transcript variant (1).
Genome position (GRCh38, 1-based): chr11:17,476,689, C>T on the plus strand (G>A on the coding strand, the complement: ABCC8 is on the minus strand). VCF-style: chr11-17476689-C-T. GRCh37 (hg19) VCF-style: chr11-17498236-C-T.
Other names: c.88G>A, p.Ala30Thr (NM_001287174.3, NM_001351295.2, NM_001351296.2 and 1 more transcripts); short protein forms A30T.
Identifiers: ClinVar variation 3047756 (VCV003047756.3), dbSNP rs1474215749, ClinGen allele CA379790027.